The following is an entry in ClinVar:

NM_004408.4(DNM1):c.582C>A (p.Asp194Glu)

Genes: DNM1 (dynamin 1; plus strand), LOC113839516 (Sharpr-MPRA regulatory region 8497; plus strand). Cytogenetic location: 9q34.11.
Variant type: single nucleotide variant.
Coding change: c.582C>A on transcript NM_004408.4 (MANE Select); coding-DNA position 582, C replaced by A.
Protein change: p.Asp194Glu; replaces aspartic acid 194 with glutamic acid.
Molecular consequence: missense variant.
Genome position (GRCh38, 1-based): chr9:128,219,245, C>A. VCF-style: chr9-128219245-C-A. GRCh37 (hg19) VCF-style: chr9-130981524-C-A.
Other names: c.582C>A, p.Asp194Glu (NM_001005336.3, NM_001288737.2, NM_001288738.2 and 2 more transcripts); short protein forms D194E.
Identifiers: ClinVar variation 2705005 (VCV002705005.3), dbSNP rs1003369790, ClinGen allele CA375011724.

ClinVar aggregate classification (germline): Uncertain significance (1 of 4 stars; one submission).

Conditions:
Developmental and epileptic encephalopathy, 31A. Also called: Epileptic encephalopathy, early infantile, 31; Developmental and epileptic encephalopathy, 31. Identifiers: Orphanet 2382, MedGen C4225357, MONDO:0014598, OMIM 616346.

Submission:

Labcorp Genetics (formerly Invitae), Labcorp
Classification: Uncertain significance for Developmental and epileptic encephalopathy, 31A. Last evaluated: 2024-01-10. Review status: criteria provided, single submitter. Criteria: Invitae Variant Classification Sherloc (09022015). Collection method: clinical testing. Allele origin: germline.
Comment: This sequence change replaces aspartic acid, which is acidic and polar, with glutamic acid, which is acidic and polar, at codon 194 of the DNM1 protein (p.Asp194Glu). This variant is not present in population databases (gnomAD no frequency). This variant has not been reported in the literature in individuals affected with DNM1-related conditions. Advanced modeling of protein sequence and biophysical properties (such as structural, functional, and spatial information, amino acid conservation, physicochemical variation, residue mobility, and thermodynamic stability) performed at Invitae indicates that this missense variant is expected to disrupt DNM1 protein function with a positive predictive value of 80%. In summary, the available evidence is currently insufficient to determine the role of this variant in disease. Therefore, it has been classified as a Variant of Uncertain Significance.